The following is an entry in ClinVar:

ClinVar aggregate classification (germline): Uncertain significance (1 of 4 stars; one submission).

Submission:

GeneDx
Classification: Uncertain significance. Last evaluated: 2024-11-13. Review status: criteria provided, single submitter. Criteria: GeneDx Variant Classification Process June 2021. Collection method: clinical testing. Allele origin: germline. Affected: yes.
Comment: Not observed at significant frequency in large population cohorts (gnomAD); In silico analysis indicates that this missense variant does not alter protein structure/function; Has not been previously published as pathogenic or benign to our knowledge

NM_014795.4(ZEB2):c.1837G>T (p.Val613Phe)

Gene: ZEB2 (zinc finger E-box binding homeobox 2; minus strand). Cytogenetic location: 2q22.3.
Variant type: single nucleotide variant.
Coding change: c.1837G>T on transcript NM_014795.4 (MANE Select); coding-DNA position 1837, G replaced by T.
Protein change: p.Val613Phe; replaces valine 613 with phenylalanine.
Molecular consequence: missense variant.
Genome position (GRCh38, 1-based): chr2:144,399,350, C>A on the plus strand (G>T on the coding strand, the complement: ZEB2 is on the minus strand). VCF-style: chr2-144399350-C-A. GRCh37 (hg19) VCF-style: chr2-145156917-C-A.
Other names: c.1765G>T, p.Val589Phe (NM_001171653.2); short protein forms V589F, V613F.
Identifiers: ClinVar variation 3899584 (VCV003899584.1).